The following is an entry in ClinVar:

ClinVar aggregate classification (germline): Likely benign (1 of 4 stars; one submission).

Allele frequency attached by ClinVar (database versions not stated): gnomAD exomes 0.00118; gnomAD 0.01154; TOPMed 0.01241; 1000 Genomes Project 0.01518; 1000 Genomes Project 30x 0.01780.
gnomAD v4.1: 2,505 of 862,098 alleles (0.29%); highest among the groups gnomAD compares: African/African-American, 3.7%; 41 homozygotes.

Submission:

GeneDx
Classification: Likely benign. Last evaluated: 2018-06-16. Review status: criteria provided, single submitter. Criteria: GeneDx Variant Classification (06012015). Collection method: clinical testing. Allele origin: germline. Affected: yes.
Comment: This variant is considered likely benign or benign based on one or more of the following criteria: it is a conservative change, it occurs at a poorly conserved position in the protein, it is predicted to be benign by multiple in silico algorithms, and/or has population frequency not consistent with disease.

NM_005045.4(RELN):c.9984-133C>T

Genes: RELN (reelin; minus strand), SLC26A5-AS1 (SLC26A5 antisense RNA 1; plus strand). Cytogenetic location: 7q22.1.
Variant type: single nucleotide variant.
Coding change: c.9984-133C>T on transcript NM_005045.4 (MANE Select); 133 bases into the intron before coding-DNA position 9984, C replaced by T.
Molecular consequence: intron variant.
Genome position (GRCh38, 1-based): chr7:103,483,983, G>A on the plus strand (C>T on the coding strand, the complement: RELN is on the minus strand). VCF-style: chr7-103483983-G-A. GRCh37 (hg19) VCF-style: chr7-103124430-G-A.
Other names: c.9984-133C>T (NM_173054.3).
Identifiers: ClinVar variation 678364 (VCV000678364.1), dbSNP rs10271780, ClinGen allele CA163899341.